The following is an entry in ClinVar:

ClinVar aggregate classification (germline): Uncertain significance (1 of 4 stars; one submission).

Allele frequency attached by ClinVar (database versions not stated): gnomAD exomes below 0.00001.
gnomAD v4.1: 1 of 1,582,744 alleles (0.000063%); highest among the groups gnomAD compares: Non-Finnish European, 0.000086%; no homozygotes.

Submission:

Labcorp Genetics (formerly Invitae), Labcorp
Classification: Uncertain significance. Last evaluated: 2023-02-22. Review status: criteria provided, single submitter. Criteria: Invitae Variant Classification Sherloc (09022015). Collection method: clinical testing. Allele origin: germline.
Comment: This variant is not present in population databases (gnomAD no frequency). In summary, the available evidence is currently insufficient to determine the role of this variant in disease. Therefore, it has been classified as a Variant of Uncertain Significance. Algorithms developed to predict the effect of sequence changes on RNA splicing suggest that this variant may disrupt the consensus splice site. This variant has not been reported in the literature in individuals affected with CAMK2B-related conditions. This sequence change falls in intron 8 of the CAMK2B gene. It does not directly change the encoded amino acid sequence of the CAMK2B protein.

NM_001220.5(CAMK2B):c.602-14G>A

Gene: CAMK2B (calcium/calmodulin dependent protein kinase II beta; minus strand). Cytogenetic location: 7p13.
Variant type: single nucleotide variant.
Coding change: c.602-14G>A on transcript NM_001220.5 (MANE Select); 14 bases into the intron before coding-DNA position 602, G replaced by A.
Molecular consequence: intron variant.
Genome position (GRCh38, 1-based): chr7:44,242,668, C>T on the plus strand (G>A on the coding strand, the complement: CAMK2B is on the minus strand). VCF-style: chr7-44242668-C-T. GRCh37 (hg19) VCF-style: chr7-44282267-C-T.
Other names: c.602-14G>A (NM_172084.3, NM_172080.3, NM_172083.3 and 5 more transcripts).
Identifiers: ClinVar variation 2834306 (VCV002834306.3), dbSNP rs2486055775, ClinGen allele CA2682612064.